The following is an entry in ClinVar:

ClinVar aggregate classification (germline): Uncertain significance. Review status: criteria provided, multiple submitters, no conflicts (2 of 4 stars). 3 submissions from 3 submitters: Uncertain significance (3). Last evaluated 2025-08-09.

Conditions:
Inborn genetic diseases. Identifiers: MedGen C0950123, MeSH D030342.

Allele frequency attached by ClinVar (database versions not stated): gnomAD 0.00001; ExAC 0.00002; TOPMed 0.00002; ESP Exome Variant Server 0.00008.
gnomAD v4.1: 10 of 1,613,530 alleles (0.00062%); highest among the groups gnomAD compares: South Asian, 0.0011%; no homozygotes.

Submissions (3):

Ambry Genetics
Classification: Uncertain significance for Inborn genetic diseases. Last evaluated: 2025-08-09. Review status: criteria provided, single submitter. Criteria: Ambry Variant Classification Scheme 2023. Collection method: clinical testing. Allele origin: germline.

Labcorp Genetics (formerly Invitae), Labcorp
Classification: Uncertain significance. Last evaluated: 2022-06-16. Review status: criteria provided, single submitter. Criteria: Invitae Variant Classification Sherloc (09022015). Collection method: clinical testing. Allele origin: germline.
Comment: This sequence change replaces aspartic acid, which is acidic and polar, with asparagine, which is neutral and polar, at codon 3123 of the LRP2 protein (p.Asp3123Asn). This variant is present in population databases (rs370116012, gnomAD 0.003%). This variant has not been reported in the literature in individuals affected with LRP2-related conditions. Advanced modeling of protein sequence and biophysical properties (such as structural, functional, and spatial information, amino acid conservation, physicochemical variation, residue mobility, and thermodynamic stability) performed at Invitae indicates that this missense variant is not expected to disrupt LRP2 protein function. In summary, the available evidence is currently insufficient to determine the role of this variant in disease. Therefore, it has been classified as a Variant of Uncertain Significance.

Blueprint Genetics
Classification: Uncertain significance. Last evaluated: 2020-06-19. Review status: criteria provided, single submitter. Criteria: ACMG Guidelines, 2015. Collection method: clinical testing. Allele origin: germline.

NM_004525.3(LRP2):c.9367G>A (p.Asp3123Asn)

Gene: LRP2 (LDL receptor related protein 2; minus strand). Cytogenetic location: 2q31.1.
Variant type: single nucleotide variant.
Coding change: c.9367G>A on transcript NM_004525.3 (MANE Select); coding-DNA position 9367, G replaced by A.
Protein change: p.Asp3123Asn; replaces aspartic acid 3123 with asparagine.
Molecular consequence: missense variant.
Genome position (GRCh38, 1-based): chr2:169,185,981, C>T on the plus strand (G>A on the coding strand, the complement: LRP2 is on the minus strand). VCF-style: chr2-169185981-C-T. GRCh37 (hg19) VCF-style: chr2-170042491-C-T.
Other names: short protein forms D3123N.
Identifiers: ClinVar variation 1897948 (VCV001897948.5), dbSNP rs370116012, ClinGen allele CA1953584.